The following is an entry in ClinVar:

NM_000632.4(ITGAM):c.3412A>C (p.Lys1138Gln)

Gene: ITGAM (integrin subunit alpha M; plus strand). Cytogenetic location: 16p11.2.
Variant type: single nucleotide variant.
Coding change: c.3412A>C on transcript NM_000632.4 (MANE Select); coding-DNA position 3412, A replaced by C.
Protein change: p.Lys1138Gln; replaces lysine 1138 with glutamine.
Molecular consequence: missense variant.
Genome position (GRCh38, 1-based): chr16:31,331,660, A>C. VCF-style: chr16-31331660-A-C. GRCh37 (hg19) VCF-style: chr16-31342981-A-C.
Other names: c.3415A>C, p.Lys1139Gln (NM_001145808.2); short protein forms K1138Q, K1139Q.
Identifiers: ClinVar variation 4723078 (VCV004723078.1).

ClinVar aggregate classification (germline): Uncertain significance (1 of 4 stars; one submission).

Submission:

Labcorp Genetics (formerly Invitae), Labcorp
Classification: Uncertain significance. Last evaluated: 2025-07-25. Review status: criteria provided, single submitter. Criteria: Invitae Variant Classification Sherloc (09022015). Collection method: clinical testing. Allele origin: germline.
Comment: This sequence change replaces lysine, which is basic and polar, with glutamine, which is neutral and polar, at codon 1138 of the ITGAM protein (p.Lys1138Gln). This variant is not present in population databases (gnomAD no frequency). This variant has not been reported in the literature in individuals affected with ITGAM-related conditions. An algorithm developed to predict the effect of missense changes on protein structure and function (PolyPhen-2) suggests that this variant is likely to be disruptive. In summary, the available evidence is currently insufficient to determine the role of this variant in disease. Therefore, it has been classified as a Variant of Uncertain Significance.